The following is an entry in ClinVar:

NM_001267550.2(TTN):c.2631C>A (p.Pro877=)

Gene: TTN (titin; minus strand). Cytogenetic location: 2q31.2.
Variant type: single nucleotide variant.
Coding change: c.2631C>A on transcript NM_001267550.2 (MANE Select); coding-DNA position 2631, C replaced by A.
Protein change: p.Pro877=; no amino-acid change (proline 877 retained).
Molecular consequence: synonymous variant.
Genome position (GRCh38, 1-based): chr2:178,784,214, G>T on the plus strand (C>A on the coding strand, the complement: TTN is on the minus strand). VCF-style: chr2-178784214-G-T. GRCh37 (hg19) VCF-style: chr2-179648941-G-T.
Other names: c.2631C>A, p.Pro877= (NM_001256850.1, NM_133378.4, NM_133379.5); c.2493C>A, p.Pro831= (NM_003319.4, NM_133432.3, NM_133437.4).
Identifiers: ClinVar variation 3052533 (VCV003052533.2), dbSNP rs2533457277, ClinGen allele CA430112043.

ClinVar aggregate classification (germline): Likely benign (0 of 4 stars; one submission).

Conditions:
TTN-related disorder. Also called: TTN-related condition; TTN-related disease; TTN-related disorders.

Submission:

PreventionGenetics, part of Exact Sciences
Classification: Likely benign for TTN-related condition. Last evaluated: 2022-08-04. Review status: no assertion criteria provided. Collection method: clinical testing. Allele origin: germline.
Comment: This variant is classified as likely benign based on ACMG/AMP sequence variant interpretation guidelines (Richards et al. 2015 PMID: 25741868, with internal and published modifications).